The following is an entry in ClinVar:

NM_020232.5(PSMG2):c.58C>G (p.Pro20Ala)

Gene: PSMG2 (proteasome assembly chaperone 2; plus strand). Cytogenetic location: 18p11.21.
Variant type: single nucleotide variant.
Coding change: c.58C>G on transcript NM_020232.5 (MANE Select); coding-DNA position 58, C replaced by G.
Protein change: p.Pro20Ala; replaces proline 20 with alanine.
Molecular consequence: missense variant. On other transcripts: 5 prime UTR variant (1).
Genome position (GRCh38, 1-based): chr18:12,706,550, C>G. VCF-style: chr18-12706550-C-G. GRCh37 (hg19) VCF-style: chr18-12706549-C-G.
Other names: c.-36C>G (NM_147163.2); short protein forms P20A.
Identifiers: ClinVar variation 3675984 (VCV003675984.2).

ClinVar aggregate classification (germline): Uncertain significance (1 of 4 stars; one submission).

gnomAD v4.1: 7 of 1,612,856 alleles (0.00043%); highest among the groups gnomAD compares: Middle Eastern, 0.017%; no homozygotes.

Submission:

Labcorp Genetics (formerly Invitae), Labcorp
Classification: Uncertain significance. Last evaluated: 2024-11-27. Review status: criteria provided, single submitter. Criteria: Invitae Variant Classification Sherloc (09022015). Collection method: clinical testing. Allele origin: germline.
Comment: This sequence change replaces proline, which is neutral and non-polar, with alanine, which is neutral and non-polar, at codon 20 of the PSMG2 protein (p.Pro20Ala). This variant is not present in population databases (gnomAD no frequency). This variant has not been reported in the literature in individuals affected with PSMG2-related conditions. An algorithm developed to predict the effect of missense changes on protein structure and function (PolyPhen-2) suggests that this variant is likely to be disruptive. In summary, the available evidence is currently insufficient to determine the role of this variant in disease. Therefore, it has been classified as a Variant of Uncertain Significance.